The following is an entry in ClinVar:

ClinVar aggregate classification (germline): Likely benign. Review status: criteria provided, multiple submitters, no conflicts (2 of 4 stars). 2 submissions from 2 submitters: Likely benign (2). Last evaluated 2023-06-16.

Conditions:
RYR1-related disorder. Also called: RYR1-related condition; RYR1-related disorders. Identifiers: MedGen CN239331.
Malignant hyperthermia, susceptibility to, 1 (MHS1). Also called: Anesthesia related hyperthermia; Malignant hyperpyrexia; Fulminating hyperpyrexia; Pharmacogenic myopathy; RYR1-Related Malignant Hyperthermia Susceptibility; Malignant hyperthermia suceptibility 1. Identifiers: Orphanet 423, MedGen C2930980, MONDO:0007783, OMIM 145600.

Allele frequency attached by ClinVar (database versions not stated): gnomAD exomes below 0.00001.
gnomAD v4.1: 7 of 1,610,902 alleles (0.00043%); highest among the groups gnomAD compares: African/African-American, 0.0013%; no homozygotes.

Submissions (2):

Labcorp Genetics (formerly Invitae), Labcorp
Classification: Likely benign for RYR1-related disorder. Last evaluated: 2023-06-16. Review status: criteria provided, single submitter. Criteria: Invitae Variant Classification Sherloc (09022015). Collection method: clinical testing. Allele origin: germline.

All of Us Research Program, National Institutes of Health
Classification: Likely benign for Malignant hyperthermia, susceptibility to, 1. Last evaluated: 2023-05-04. Review status: criteria provided, single submitter. Criteria: ACMG Guidelines, 2015. Collection method: clinical testing. Allele origin: germline. Inheritance: Autosomal dominant inheritance. Observed: 1 variant allele, 1 heterozygote.
Comment: This study involves interpretation of variants in research participants for the purpose of population health screening. Participant phenotype was not available at the time of variant classification. Additional details can be found in publication PMID: 35346344, PMCID: PMC8962531

NM_000540.3(RYR1):c.6797-14T>C

Gene: RYR1 (ryanodine receptor 1; plus strand). Cytogenetic location: 19q13.2.
Variant type: single nucleotide variant.
Coding change: c.6797-14T>C on transcript NM_000540.3 (MANE Select); 14 bases into the intron before coding-DNA position 6797, T replaced by C.
Molecular consequence: intron variant.
Genome position (GRCh38, 1-based): chr19:38,496,846, T>C. VCF-style: chr19-38496846-T-C. GRCh37 (hg19) VCF-style: chr19-38987486-T-C.
Other names: c.6797-14T>C (NM_001042723.2).
Identifiers: ClinVar variation 3014798 (VCV003014798.4), dbSNP rs1007515866, ClinGen allele CA308104881.